The following is an entry in ClinVar:

NM_000080.4(CHRNE):c.790del (p.Leu264fs)

Genes: C17orf107 (chromosome 17 open reading frame 107; plus strand), CHRNE (cholinergic receptor nicotinic epsilon subunit; minus strand). Cytogenetic location: 17p13.2.
Variant type: Deletion.
Coding change: c.790del on transcript NM_000080.4 (MANE Select); coding-DNA position 790, one base deleted (C; older notation c.790delC).
Protein change: p.Leu264fs; shifts the reading frame from leucine 264.
Molecular consequence: frameshift variant. On other transcripts: 3 prime UTR variant (1).
Genome position (GRCh38, 1-based): chr17:4,901,002, G deleted on the plus strand (C on the coding strand, the reverse complement: CHRNE is on the minus strand); the first of 2 consecutive G bases (chr17:4,901,002-4,901,003); deleting either gives the same sequence. VCF-style (leftmost placement, unchanged base first): chr17-4901001-AG-A. GRCh37 (hg19) VCF-style: chr17-4804296-AG-A.
Other names: c.*470del (NM_001145536.2); short protein forms L264fs.
Identifiers: ClinVar variation 2698789 (VCV002698789.3), dbSNP rs1387784932, ClinGen allele CA772686665.

ClinVar aggregate classification (germline): Pathogenic (1 of 4 stars; one submission).

Conditions:
Congenital myasthenic syndrome 4A. Also called: Myasthenic syndrome, congenital, 4a, slow-channel; CONGENITAL MYASTHENIC SYNDROME TYPE Ia1; MYASTHENIC SYNDROME, CONGENITAL, 4A, SLOW-CHANNEL, AUTOSOMAL RECESSIVE. Identifiers: Orphanet 590, MedGen C4225413, MONDO:0011600, OMIM 605809.

Submission:

Labcorp Genetics (formerly Invitae), Labcorp
Classification: Pathogenic for Congenital myasthenic syndrome 4A. Last evaluated: 2023-12-02. Review status: criteria provided, single submitter. Criteria: Invitae Variant Classification Sherloc (09022015). Collection method: clinical testing. Allele origin: germline.
Comment: This sequence change creates a premature translational stop signal (p.Leu264Cysfs*36) in the CHRNE gene. It is expected to result in an absent or disrupted protein product. Loss-of-function variants in CHRNE are known to be pathogenic (PMID: 22678886). This variant is not present in population databases (gnomAD no frequency). This variant has not been reported in the literature in individuals affected with CHRNE-related conditions. For these reasons, this variant has been classified as Pathogenic.

Literature cited by the submitters: PubMed 22678886.